The following is an entry in ClinVar:

NM_001042492.3(NF1):c.8113+22del

Gene: NF1 (neurofibromin 1; plus strand). Cytogenetic location: 17q11.2.
Variant type: Deletion.
Coding change: c.8113+22del on transcript NM_001042492.3 (MANE Select); 22 bases into the intron after coding-DNA position 8113, one base deleted (A; older notation c.8113+22delA).
Molecular consequence: intron variant.
Genome position (GRCh38, 1-based): chr17:31,358,644, A deleted; the last of 2 consecutive A bases (chr17:31,358,643-31,358,644); deleting either gives the same sequence. VCF-style (leftmost placement, unchanged base first): chr17-31358642-GA-G. GRCh37 (hg19) VCF-style: chr17-29685660-GA-G.
Other names: c.8113+22delA (NM_001042492.2); c.8050+22delA (NM_000267.3); c.8050+21delA (NM_000267.3); c.8050+22del (NM_000267.4).
Identifiers: ClinVar variation 561688 (VCV000561688.12), dbSNP rs563852879, ClinGen allele CA8487731.

ClinVar aggregate classification (germline): Benign/Likely benign. Review status: criteria provided, multiple submitters, no conflicts (2 of 4 stars). 6 submissions from 6 submitters: Benign (2); Likely benign (3). 1 of the submissions does not count toward it. Last evaluated 2025-12-09.

Conditions:
Cardiovascular phenotype. Identifiers: MedGen CN230736.
Hereditary cancer-predisposing syndrome. Also called: Hereditary neoplastic syndrome; Tumor predisposition; Neoplastic Syndromes, Hereditary; Hereditary Cancer Syndrome. Identifiers: Orphanet 140162, MedGen C0027672, MeSH D009386, MONDO:0015356.
NF1-related disorder. Also called: NF1-related condition. Identifiers: MedGen CN379171.
Neurofibromatosis, type 1 (NF1). Also called: VON RECKLINGHAUSEN DISEASE; Peripheral type neurofibromatosis; NEUROFIBROMATOSIS, TYPE I, SOMATIC; Neurofibromatosis, type I. Identifiers: Orphanet 636, MedGen C0027831, MONDO:0018975, OMIM 162200. Disease mechanism: loss of function.

Submissions (6):

Labcorp Genetics (formerly Invitae), Labcorp
Classification: Benign for Neurofibromatosis, type 1. Last evaluated: 2025-12-09. Review status: criteria provided, single submitter. Criteria: Invitae Variant Classification Sherloc (09022015). Collection method: clinical testing. Allele origin: germline.

Blueprint Genetics
Classification: Likely benign. Last evaluated: 2024-11-26. Review status: criteria provided, single submitter. Criteria: ACMG Guidelines, 2015. Collection method: clinical testing. Allele origin: germline.

Genome-Nilou Lab
Classification: Benign for Neurofibromatosis, type 1. Last evaluated: 2022-03-15. Review status: criteria provided, single submitter. Criteria: ACMG Guidelines, 2015. Collection method: clinical testing. Allele origin: germline. Affected: no.

GeneDx
Classification: Likely benign. Last evaluated: 2018-06-19. Review status: criteria provided, single submitter. Criteria: GeneDx Variant Classification (06012015). Collection method: clinical testing. Allele origin: germline. Affected: yes.
Comment: This variant is considered likely benign or benign based on one or more of the following criteria: it is a conservative change, it occurs at a poorly conserved position in the protein, it is predicted to be benign by multiple in silico algorithms, and/or has population frequency not consistent with disease.

Ambry Genetics
Classification: Likely benign for Cardiovascular phenotype; Hereditary cancer-predisposing syndrome. Last evaluated: 2017-02-12. Review status: criteria provided, single submitter. Criteria: Ambry Variant Classification Scheme 2023. Collection method: clinical testing. Allele origin: germline.

PreventionGenetics, part of Exact Sciences
Classification: Benign for NF1-related condition. Last evaluated: 2022-06-08. Review status: no assertion criteria provided. Collection method: clinical testing. Allele origin: germline. Not counted in ClinVar's aggregate classification.
Comment: This variant is classified as benign based on ACMG/AMP sequence variant interpretation guidelines (Richards et al. 2015 PMID: 25741868, with internal and published modifications).